The following is an entry in ClinVar:

ClinVar aggregate classification (germline): Likely pathogenic (1 of 4 stars; one submission).

Conditions:
Retinitis pigmentosa 28 (RP28). Identifiers: Orphanet 791, MedGen C1419614, MONDO:0011630, OMIM 606068.

Submission:

Natera, Inc.
Classification: Likely pathogenic for Retinitis pigmentosa type 28. Last evaluated: 2024-07-29. Review status: criteria provided, single submitter. Criteria: Natera Variant Classification Schema (03/2026). Collection method: clinical testing. Allele origin: germline.
Comment: The c.383dup variant in FAM161A is a frameshift variant predicted to shift the reading frame beginning at codon 129 and leads to a stop codon 9 codons downstream. This variant is expected to result in nonsense mediated decay, truncation, or a dysfunctional protein product. This variant is rare in the general population with a frequency below the threshold expected for the associated phenotype(s). Given the available evidence, this variant is classified as Likely Pathogenic.

NM_001201543.2(FAM161A):c.383dup (p.Val129fs)

Gene: FAM161A (FAM161 centrosomal protein A; minus strand). Cytogenetic location: 2p15.
Variant type: Duplication.
Coding change: c.383dup on transcript NM_001201543.2 (MANE Select); coding-DNA position 383, one base duplicated (C; older notation c.383dupC).
Protein change: p.Val129fs; shifts the reading frame from valine 129.
Molecular consequence: frameshift variant. On other transcripts: non-coding transcript variant (1).
Genome position (GRCh38, 1-based): chr2:61,842,161, G duplicated on the plus strand (C on the coding strand, the reverse complement: FAM161A is on the minus strand); the first of 2 consecutive G bases (chr2:61,842,161-61,842,162); duplicating either gives the same sequence. VCF-style (leftmost placement, unchanged base first): chr2-61842160-T-TG. GRCh37 (hg19) VCF-style: chr2-62069295-T-TG.
Other names: c.383dup, p.Val129fs (NM_032180.3); short protein forms V129fs.
Identifiers: ClinVar variation 4814692 (VCV004814692.1).